The following is an entry in ClinVar:

ClinVar aggregate classification (germline): Uncertain significance (1 of 4 stars; one submission).

Submission:

Labcorp Genetics (formerly Invitae), Labcorp
Classification: Uncertain significance. Last evaluated: 2022-08-19. Review status: criteria provided, single submitter. Criteria: Invitae Variant Classification Sherloc (09022015). Collection method: clinical testing. Allele origin: germline.
Comment: In summary, the available evidence is currently insufficient to determine the role of this variant in disease. Therefore, it has been classified as a Variant of Uncertain Significance. This variant has not been reported in the literature in individuals affected with DDX58-related conditions. This variant is not present in population databases (gnomAD no frequency). This sequence change creates a premature translational stop signal (p.Leu643*) in the DDX58 gene. It is expected to result in an absent or disrupted protein product. However, the current clinical and genetic evidence is not sufficient to establish whether loss-of-function variants in DDX58 cause disease.

NM_014314.4(RIGI):c.1928del (p.Ala642_Leu643insTer)

Gene: RIGI (RNA sensor RIG-I; minus strand). Cytogenetic location: 9p21.1.
Variant type: Deletion.
Coding change: c.1928del on transcript NM_014314.4 (MANE Select); coding-DNA position 1928, one base deleted (T; older notation c.1928delT).
Protein change: p.Ala642_Leu643insTer.
Molecular consequence: nonsense.
Genome position (GRCh38, 1-based): chr9:32,473,061, A deleted on the plus strand (T on the coding strand, the reverse complement: RIGI is on the minus strand); the first of 3 consecutive A bases (chr9:32,473,061-32,473,063); deleting any one gives the same sequence. VCF-style (leftmost placement, unchanged base first): chr9-32473060-TA-T. GRCh37 (hg19) VCF-style: chr9-32473058-TA-T.
Other names: c.1922del, p.Ala640_Leu641insTer (NM_001385907.1); c.1928del, p.Ala642_Leu643insTer (NM_001385909.1); c.1487del, p.Ala495_Leu496insTer (NM_001385910.1); c.1319del, p.Ala439_Leu440insTer (NM_001385912.1); c.1913del, p.Ala637_Leu638insTer (NM_001385913.1); c.1484del, p.Ala494_Leu495insTer (NM_001385914.1).
Identifiers: ClinVar variation 1939766 (VCV001939766.5), dbSNP rs2489303770, ClinGen allele CA2580080331.
Genomic context (GRCh38, chr9:32,473,060, plus strand): 5'-TCCAGTCAATATGCCAGGTTTTAGAAAACTGAGTTTAGGATTTCCTTCAATCCAATTTTT[TA>T]AAGCCTGAAAATGAAAAGCAATTATCAATTGGACACTCCTTATAAATCATTTGTATTAAT-3'